The following is an entry in ClinVar:

ClinVar aggregate classification (germline): Likely pathogenic (1 of 4 stars; one submission).

Conditions:
Cortical dysplasia, complex, with other brain malformations 10. Identifiers: MedGen C5231458, MONDO:0032866, OMIM 618677.

Submission:

3billion
Classification: Likely pathogenic for Cortical dysplasia, complex, with other brain malformations 10. Last evaluated: 2023-02-23. Review status: criteria provided, single submitter. Criteria: ACMG Guidelines, 2015. Collection method: clinical testing. Allele origin: unknown. Affected: yes.
Comment: The variant is not observed in the gnomAD v2.1.1 dataset. This variant was predicted to result in a loss or disruption of normal protein function through nonsense-mediated decay (NMD) or protein truncation. Multiple pathogenic variants are reported downstream of the variant. Therefore, this variant is classified as Likely pathogenic according to the recommendation of ACMG/AMP guideline.

NM_005883.3(APC2):c.759dup (p.Glu254fs)

Gene: APC2 (APC regulator of WNT signaling pathway 2; plus strand). Cytogenetic location: 19p13.3.
Variant type: Duplication.
Coding change: c.759dup on transcript NM_005883.3 (MANE Select); coding-DNA position 759, one base duplicated (C; older notation c.759dupC).
Protein change: p.Glu254fs; shifts the reading frame from glutamic acid 254.
Molecular consequence: frameshift variant.
Genome position (GRCh38, 1-based): chr19:1,456,347, C duplicated; the last of 4 consecutive C bases (chr19:1,456,344-1,456,347); duplicating any one gives the same sequence. VCF-style (leftmost placement, unchanged base first): chr19-1456343-A-AC. GRCh37 (hg19) VCF-style: chr19-1456342-A-AC.
Other names: c.756dup, p.Glu253fs (NM_001351273.1); short protein forms E253fs, E254fs.
Identifiers: ClinVar variation 2444253 (VCV002444253.1), dbSNP rs2512475700, ClinGen allele CA2580096058.